The following is an entry in ClinVar:

NM_198390.3(CMIP):c.595A>G (p.Ile199Val)

Gene: CMIP (c-Maf inducing protein; plus strand). Cytogenetic location: 16q23.3.
Variant type: single nucleotide variant.
Coding change: c.595A>G on transcript NM_198390.3 (MANE Select); coding-DNA position 595, A replaced by G.
Protein change: p.Ile199Val; replaces isoleucine 199 with valine.
Molecular consequence: missense variant.
Genome position (GRCh38, 1-based): chr16:81,652,320, A>G. VCF-style: chr16-81652320-A-G. GRCh37 (hg19) VCF-style: chr16-81685925-A-G.
Other names: c.313A>G, p.Ile105Val (NM_030629.3); short protein forms I105V, I199V.
Identifiers: ClinVar variation 3030644 (VCV003030644.2), dbSNP rs770230656, ClinGen allele CA8192122.

ClinVar aggregate classification (germline): Uncertain significance (0 of 4 stars; one submission).

Conditions:
CMIP-related disorder. Also called: CMIP-related condition.

Allele frequency attached by ClinVar (database versions not stated): ExAC 0.00001; gnomAD exomes 0.00001.
gnomAD v4.1: 19 of 1,613,918 alleles (0.0012%); highest among the groups gnomAD compares: Non-Finnish European, 0.0011%; no homozygotes.

Submission:

PreventionGenetics, part of Exact Sciences
Classification: Uncertain significance for CMIP-related condition. Last evaluated: 2024-02-22. Review status: no assertion criteria provided. Collection method: clinical testing. Allele origin: germline.
Comment: The CMIP c.595A>G variant is predicted to result in the amino acid substitution p.Ile199Val. To our knowledge, this variant has not been reported in the literature. This variant is reported in 0.0046% of alleles in individuals of European (Finnish) descent in gnomAD. At this time, the clinical significance of this variant is uncertain due to the absence of conclusive functional and genetic evidence.